The following is an entry in ClinVar:

ClinVar aggregate classification (germline): Uncertain significance. Review status: criteria provided, multiple submitters, no conflicts (2 of 4 stars). 2 submissions from 2 submitters: Uncertain significance (2). Last evaluated 2024-10-25.

Conditions:
Hereditary pancreatitis (PCTT). Also called: PRSS1-Related Hereditary Pancreatitis; Hereditary chronic pancreatitis. Identifiers: Orphanet 676, MedGen C0238339, MONDO:0008185, OMIM 167800.

Allele frequency attached by ClinVar (database versions not stated): TOPMed below 0.00001; gnomAD exomes 0.00002 and 0.00004; ExAC 0.00004.
gnomAD v4.1: 11 of 1,614,178 alleles (0.00068%); highest among the groups gnomAD compares: Admixed American, 0.018%; no homozygotes.

Submissions (2):

Ambry Genetics
Classification: Uncertain significance for Hereditary pancreatitis. Last evaluated: 2024-10-25. Review status: criteria provided, single submitter. Criteria: Ambry Variant Classification Scheme 2023. Collection method: clinical testing. Allele origin: germline.
Comment: The p.S256C variant (also known as c.767C>G), located in coding exon 7 of the CTRC gene, results from a C to G substitution at nucleotide position 767. The serine at codon 256 is replaced by cysteine, an amino acid with dissimilar properties. This amino acid position is highly conserved in available vertebrate species. In addition, this alteration is predicted to be deleterious by in silico analysis. Since supporting evidence is limited at this time, the clinical significance of this alteration remains unclear.

Labcorp Genetics (formerly Invitae), Labcorp
Classification: Uncertain significance for Hereditary pancreatitis. Last evaluated: 2021-04-04. Review status: criteria provided, single submitter. Criteria: Invitae Variant Classification Sherloc (09022015). Collection method: clinical testing. Allele origin: germline.
Comment: In summary, the available evidence is currently insufficient to determine the role of this variant in disease. Therefore, it has been classified as a Variant of Uncertain Significance. Advanced modeling of protein sequence and biophysical properties (such as structural, functional, and spatial information, amino acid conservation, physicochemical variation, residue mobility, and thermodynamic stability) performed at Invitae indicates that this missense variant is expected to disrupt CTRC protein function. This variant has not been reported in the literature in individuals with CTRC-related conditions. This variant is present in population databases (rs772573958, ExAC 0.04%). This sequence change replaces serine with cysteine at codon 256 of the CTRC protein (p.Ser256Cys). The serine residue is highly conserved and there is a moderate physicochemical difference between serine and cysteine.

NM_007272.3(CTRC):c.767C>G (p.Ser256Cys)

Gene: CTRC (chymotrypsin C; plus strand). Cytogenetic location: 1p36.21.
Variant type: single nucleotide variant.
Coding change: c.767C>G on transcript NM_007272.3 (MANE Select); coding-DNA position 767, C replaced by G.
Protein change: p.Ser256Cys; replaces serine 256 with cysteine.
Molecular consequence: missense variant.
Genome position (GRCh38, 1-based): chr1:15,445,724, C>G. VCF-style: chr1-15445724-C-G. GRCh37 (hg19) VCF-style: chr1-15772219-C-G.
Other names: short protein forms S256C.
Identifiers: ClinVar variation 1404556 (VCV001404556.11), dbSNP rs772573958, ClinGen allele CA613466.